The following is an entry in ClinVar:

ClinVar aggregate classification (germline): Conflicting classifications of pathogenicity. Review status: criteria provided, conflicting classifications (1 of 4 stars). 24 submissions from 20 submitters: Uncertain significance (1); Benign (9); Likely benign (8). 6 of the submissions do not count toward it. Last evaluated 2026-09-01.

Conditions:
Kidney disorder. Also called: Nephropathy; Kidney disease; Kidney Diseases; renal disease; renal disorder. Identifiers: MedGen C0022658, MONDO:0005240, HP:0000112.
Meckel-Gruber syndrome. Also called: DYSENCEPHALIA SPLANCHNOCYSTICA; GRUBER SYNDROME; Dysencephalia splachnocystica. Identifiers: Orphanet 564, MedGen C0265215, MONDO:0018921.
Joubert syndrome. Also called: Familial aplasia of the vermis; JOUBERT-BOLTSHAUSER SYNDROME. Identifiers: Orphanet 475, MedGen C5979921, MONDO:0018772.
Nephronophthisis. Also called: Juvenile Nephronophthisis. Identifiers: Orphanet 655, MedGen C0687120, MONDO:0019005, HP:0000090.
Retinal dystrophy. Also called: Inherited retinal dystrophy. Identifiers: Orphanet 71862, MedGen C0854723, MeSH D058499, MONDO:0019118, HP:0000556.
Leber congenital amaurosis (LCA). Also called: Leber's amaurosis. Identifiers: Orphanet 65, MedGen C0339527, MeSH D057130, MONDO:0018998.
Meckel syndrome, type 4 (MKS4). Also called: MECKEL-GRUBER SYNDROME, TYPE 4. Identifiers: Orphanet 564, MedGen C1970161, MONDO:0012626, OMIM 611134.
Bardet-Biedl syndrome 14 (BBS14). Identifiers: Orphanet 110, MedGen C2673874, MONDO:0014442, OMIM 615991.
Leber congenital amaurosis 10 (LCA10). Identifiers: Orphanet 65, MedGen C1857821, MONDO:0012723, OMIM 611755.
Joubert syndrome 5 (JBTS5). Identifiers: Orphanet 2318, MedGen C1857780, MONDO:0012432, OMIM 610188.
Senior-Loken syndrome 6 (SLSN6). Identifiers: Orphanet 3156, MedGen C1857779, MONDO:0012433, OMIM 610189.

Allele frequency attached by ClinVar (database versions not stated): gnomAD 0.00577 and 0.00714; TOPMed 0.00648; ESP Exome Variant Server 0.00733; gnomAD exomes 0.00982 and 0.01064; 1000 Genomes Project 0.01138; ExAC 0.01192.
gnomAD v4.1: 15,221 of 1,577,480 alleles (0.96%); highest among the groups gnomAD compares: South Asian, 4%; 162 homozygotes.

Submissions (24):

CeGaT Center for Human Genetics Tuebingen
Classification: Benign. Last evaluated: 2026-09-01. Review status: criteria provided, single submitter. Criteria: CeGaT Center For Human Genetics Tuebingen Variant Classification Criteria Version 2. Collection method: clinical testing. Allele origin: germline. Affected: yes. Observed: 72 variant alleles.
Comment: CEP290: BP4, BS1, BS2

Labcorp Genetics (formerly Invitae), Labcorp
Classification: Benign for Joubert syndrome; Meckel-Gruber syndrome; Nephronophthisis. Last evaluated: 2026-02-02. Review status: criteria provided, single submitter. Criteria: Invitae Variant Classification Sherloc (09022015). Collection method: clinical testing. Allele origin: germline.

Mayo Clinic Laboratories, Mayo Clinic
Classification: Benign. Last evaluated: 2025-07-09. Review status: criteria provided, single submitter. Criteria: ACMG Guidelines, 2015. Collection method: clinical testing. Allele origin: germline. Observed: 1 variant allele.
Comment: BS1, BS2

Blueprint Genetics
Classification: Likely benign. Last evaluated: 2024-11-27. Review status: criteria provided, single submitter. Criteria: ACMG Guidelines, 2015. Collection method: clinical testing. Allele origin: germline.

Dept Of Ophthalmology, Nagoya University
Classification: Benign for Retinal dystrophy. Last evaluated: 2023-10-01. Review status: criteria provided, single submitter. Criteria: Submitter's publication. Collection method: research. Allele origin: germline. Affected: yes.

Women's Health and Genetics/Laboratory Corporation of America, LabCorp
Classification: Likely benign. Last evaluated: 2022-02-18. Review status: criteria provided, single submitter. Criteria: LabCorp Variant Classification Summary - May 2015. Collection method: clinical testing. Allele origin: germline.

Genome Diagnostics Laboratory, The Hospital for Sick Children
Classification: Likely benign for Kidney disorder. Last evaluated: 2020-04-01. Review status: criteria provided, single submitter. Criteria: ACMG Guidelines, 2015. Collection method: clinical testing. Allele origin: germline.

GeneDx
Classification: Benign. Last evaluated: 2018-11-19. Review status: criteria provided, single submitter. Criteria: GeneDx Variant Classification Process June 2021. Collection method: clinical testing. Allele origin: germline. Affected: yes.
Comment: This variant is associated with the following publications: (PMID: 31734136, 30478281, 27491411)

Illumina Laboratory Services, Illumina
Classification: Likely benign for Leber congenital amaurosis 10. Last evaluated: 2018-01-13. Review status: criteria provided, single submitter. Criteria: ICSL Variant Classification Criteria 13 December 2019. Collection method: clinical testing. Allele origin: germline.
Comment: This variant was observed in the ICSL laboratory as part of a predisposition screen in an ostensibly healthy population. It had not been previously curated by ICSL or reported in the Human Gene Mutation Database (HGMD: prior to June 1st, 2018), and was therefore a candidate for classification through an automated scoring system. Utilizing variant allele frequency, disease prevalence and penetrance estimates, and inheritance mode, an automated score was calculated to assess if this variant is too frequent to cause the disease. Based on the score and internal cut-off values, a variant classified as likely benign is not then subjected to further curation. The score for this variant resulted in a classification of likely benign for this disease.

Illumina Laboratory Services, Illumina
Classification: Benign for Bardet-Biedl syndrome 14. Last evaluated: 2018-01-13. Review status: criteria provided, single submitter. Criteria: ICSL Variant Classification Criteria 13 December 2019. Collection method: clinical testing. Allele origin: germline.
Comment: This variant was observed in the ICSL laboratory as part of a predisposition screen in an ostensibly healthy population. It had not been previously curated by ICSL or reported in the Human Gene Mutation Database (HGMD: prior to June 1st, 2018), and was therefore a candidate for classification through an automated scoring system. Utilizing variant allele frequency, disease prevalence and penetrance estimates, and inheritance mode, an automated score was calculated to assess if this variant is too frequent to cause the disease. Based on the score and internal cut-off values, a variant classified as benign is not then subjected to further curation. The score for this variant resulted in a classification of benign for this disease.

Illumina Laboratory Services, Illumina
Classification: Benign for Joubert syndrome 5. Last evaluated: 2018-01-13. Review status: criteria provided, single submitter. Criteria: ICSL Variant Classification Criteria 13 December 2019. Collection method: clinical testing. Allele origin: germline.
Comment: the same text as in the submission from Illumina Laboratory Services, Illumina above.

Illumina Laboratory Services, Illumina
Classification: Likely benign for Meckel syndrome, type 4. Last evaluated: 2018-01-13. Review status: criteria provided, single submitter. Criteria: ICSL Variant Classification Criteria 13 December 2019. Collection method: clinical testing. Allele origin: germline.
Comment: the same text as in the submission from Illumina Laboratory Services, Illumina above.

Illumina Laboratory Services, Illumina
Classification: Benign for Senior-Loken syndrome 6. Last evaluated: 2018-01-13. Review status: criteria provided, single submitter. Criteria: ICSL Variant Classification Criteria 13 December 2019. Collection method: clinical testing. Allele origin: germline.
Comment: the same text as in the submission from Illumina Laboratory Services, Illumina above.

Center for Pediatric Genomic Medicine, Children's Mercy Hospital and Clinics
Classification: Likely benign. Last evaluated: 2016-10-25. Review status: criteria provided, single submitter. Criteria: ACMG Guidelines, 2015. Collection method: clinical testing. Allele origin: germline.
ClinVar note: Converted during submission from Likely Benign to Likely benign.

Eurofins Ntd Llc (ga)
Classification: Benign. Last evaluated: 2015-12-21. Review status: criteria provided, single submitter. Criteria: EGL Classification Definitions 2015. Collection method: clinical testing. Allele origin: germline. Observed: 1 variant allele, 1 heterozygote.

Institute of Human Genetics, Univ. Regensburg, Univ. Regensburg
Classification: Uncertain significance for Retinal dystrophy. Last evaluated: 2013-01-01. Review status: criteria provided, single submitter. Criteria: ACMG Guidelines, 2015. Collection method: clinical testing. Allele origin: germline. Affected: yes.

Breakthrough Genomics
Classification: Likely benign. Review status: criteria provided, single submitter. Criteria: ACMG Guidelines, 2015. Collection method: not provided. Allele origin: germline. Inheritance: Autosomal recessive inheritance. Affected: yes.

PreventionGenetics, part of Exact Sciences
Classification: Likely benign. Review status: criteria provided, single submitter. Criteria: ACMG Guidelines, 2015. Collection method: clinical testing. Allele origin: germline.

Natera, Inc.
Classification: Benign for Leber congenital amaurosis. Last evaluated: 2019-11-15. Review status: no assertion criteria provided. Collection method: clinical testing. Allele origin: germline. Not counted in ClinVar's aggregate classification.

Diagnostic Laboratory, Department of Genetics, University Medical Center Groningen
Classification: Benign. Review status: no assertion criteria provided. Collection method: clinical testing. Allele origin: germline. Affected: yes. Study: VKGL Data-share Consensus. Not counted in ClinVar's aggregate classification.

Genetic Services Laboratory, University of Chicago
Classification: Likely benign for AllHighlyPenetrant. Review status: no assertion criteria provided. Collection method: clinical testing. Allele origin: germline. Inheritance: Autosomal recessive inheritance. Observed: 15 variant alleles. Not counted in ClinVar's aggregate classification.
Comment: Likely benign based on allele frequency in 1000 Genomes Project or ESP global frequency and its presence in a patient with a rare or unrelated disease phenotype. NOT Sanger confirmed.

Genome Diagnostics Laboratory, University Medical Center Utrecht
Classification: Benign. Review status: no assertion criteria provided. Collection method: clinical testing. Allele origin: germline. Affected: yes. Study: VKGL Data-share Consensus. Not counted in ClinVar's aggregate classification.

Joint Genome Diagnostic Labs from Nijmegen and Maastricht, Radboudumc and MUMC+
Classification: Benign. Review status: no assertion criteria provided. Collection method: clinical testing. Allele origin: germline. Affected: yes. Study: VKGL Data-share Consensus. Not counted in ClinVar's aggregate classification.

Laboratory of Diagnostic Genome Analysis, Leiden University Medical Center (LUMC)
Classification: Likely benign. Review status: no assertion criteria provided. Collection method: clinical testing. Allele origin: germline. Affected: yes. Study: VKGL Data-share Consensus. Not counted in ClinVar's aggregate classification.

Literature cited by the submitters: PubMed 27491411 (cited by Mayo Clinic Laboratories, Mayo Clinic and Institute of Human Genetics, Univ. Regensburg, Univ. Regensburg); PubMed 30476936 (cited by Mayo Clinic Laboratories, Mayo Clinic); PubMed 30478281 (cited by Mayo Clinic Laboratories, Mayo Clinic and Institute of Human Genetics, Univ. Regensburg, Univ. Regensburg); PubMed 31816670 (cited by Mayo Clinic Laboratories, Mayo Clinic and Institute of Human Genetics, Univ. Regensburg, Univ. Regensburg); PubMed 32531858 (cited by Mayo Clinic Laboratories, Mayo Clinic and Institute of Human Genetics, Univ. Regensburg, Univ. Regensburg); PubMed 31734136 (cited by Institute of Human Genetics, Univ. Regensburg, Univ. Regensburg); PubMed 34691137 (cited by Institute of Human Genetics, Univ. Regensburg, Univ. Regensburg).

NM_025114.4(CEP290):c.5237G>A (p.Arg1746Gln)

Gene: CEP290 (centrosomal protein 290; minus strand). Cytogenetic location: 12q21.32.
Variant type: single nucleotide variant.
Coding change: c.5237G>A on transcript NM_025114.4 (MANE Select); coding-DNA position 5237, G replaced by A.
Protein change: p.Arg1746Gln; replaces arginine 1746 with glutamine.
Molecular consequence: missense variant.
Genome position (GRCh38, 1-based): chr12:88,079,219, C>T on the plus strand (G>A on the coding strand, the complement: CEP290 is on the minus strand). VCF-style: chr12-88079219-C-T. GRCh37 (hg19) VCF-style: chr12-88472996-C-T.
Other names: p.Arg1746Gln; short protein forms R1746Q.
Identifiers: ClinVar variation 126262 (VCV000126262.70), dbSNP rs61941020, ClinGen allele CA150915.